The following is an entry in ClinVar:

NM_032590.5(KDM2B):c.126+774G>T

Gene: KDM2B (lysine demethylase 2B; minus strand). Cytogenetic location: 12q24.31.
Variant type: single nucleotide variant.
Coding change: c.126+774G>T on transcript NM_032590.5 (MANE Select); 774 bases into the intron after coding-DNA position 126, G replaced by T.
Molecular consequence: intron variant. On other transcripts: missense variant (2).
Genome position (GRCh38, 1-based): chr12:121,580,012, C>A on the plus strand (G>T on the coding strand, the complement: KDM2B is on the minus strand). VCF-style: chr12-121580012-C-A. GRCh37 (hg19) VCF-style: chr12-122017917-C-A.
Other names: c.41G>T, p.Ser14Ile (NM_001439014.1, NM_001439015.1); c.63+1012G>T (NM_001439029.1, NM_001439023.1, NM_001439022.1); c.126+774G>T (NM_001439017.1, NM_001439018.1, NM_001439016.1); c.33+8G>T (NM_001005366.2, NM_001439026.1, NM_001439025.1 and 1 more transcripts); short protein forms S14I.
Identifiers: ClinVar variation 5038566 (VCV005038566.1).
Genomic context (GRCh38, chr12:121,580,012, plus strand): 5'-AAAAAAAAAGATCTATCATATGCCAGATACAGATTTGGAAAAAAAAAAAAAAAAAAAAAG[C>A]TACACACCAATCTTCTTCCAGAGTCTTTCTCTGCCTCCATTTTTTTAGGAGAGTTCACCA-3'

ClinVar aggregate classification (germline): Likely benign (1 of 4 stars; one submission).

Submission:

CeGaT Center for Human Genetics Tuebingen
Classification: Likely benign. Last evaluated: 2026-07-01. Review status: criteria provided, single submitter. Criteria: CeGaT Center For Human Genetics Tuebingen Variant Classification Criteria Version 2. Collection method: clinical testing. Allele origin: germline. Affected: yes. Observed: 1 variant allele.
Comment: KDM2B: BP4